The following is an entry in ClinVar:

NM_000419.5(ITGA2B):c.2426C>T (p.Pro809Leu)

Gene: ITGA2B (integrin subunit alpha 2b; minus strand). Cytogenetic location: 17q21.31.
Variant type: single nucleotide variant.
Coding change: c.2426C>T on transcript NM_000419.5 (MANE Select); coding-DNA position 2426, C replaced by T.
Protein change: p.Pro809Leu; replaces proline 809 with leucine.
Molecular consequence: missense variant.
Genome position (GRCh38, 1-based): chr17:44,376,107, G>A on the plus strand (C>T on the coding strand, the complement: ITGA2B is on the minus strand). VCF-style: chr17-44376107-G-A. GRCh37 (hg19) VCF-style: chr17-42453475-G-A.
Other names: c.2426C>T (NM_000419.4); short protein forms P809L.
Identifiers: ClinVar variation 3017175 (VCV003017175.4), dbSNP rs2048541371, ClinGen allele CA399795977.
Genomic context (GRCh38, chr17:44,376,107, plus strand): 5'-CCGCTCACCCCAGCCAGGGACGCGAGGCTCCCCAATACCTCATAGGTGTGCTCCACTTTG[G>A]GTCCCCAGCTGTCCAAGCTGTTCTGCTCCCTCTCACCTTCTTCTGCTGCCACCACCAGGG-3'
Protein context (NP_000410.2, residues 799-819): REQNSLDSWG[Pro809Leu]KVEHTYELHN

ClinVar aggregate classification (germline): Uncertain significance. Review status: criteria provided, single submitter (1 of 4 stars). 2 submissions from 2 submitters: Uncertain significance (1). 1 of the submissions does not count toward it. Last evaluated 2023-10-20.

Conditions:
Glanzmann thrombasthenia. Also called: Thrombasthenia; Glanzmann's thrombasthenia; THROMBASTHENIA OF GLANZMANN AND NAEGELI; PLATELET GLYCOPROTEIN IIb-IIIa DEFICIENCY. Identifiers: Orphanet 849, MedGen C0040015, MONDO:0100326.
ITGA2B-related disorder. Also called: ITGA2B-related condition; ITGA2B-related disorders.

gnomAD v4.1: 2 of 1,614,094 alleles (0.00012%); highest among the groups gnomAD compares: Non-Finnish European, 0.00017%; no homozygotes.

Submissions (2):

Labcorp Genetics (formerly Invitae), Labcorp
Classification: Uncertain significance for Glanzmann thrombasthenia. Last evaluated: 2023-10-20. Review status: criteria provided, single submitter. Criteria: Invitae Variant Classification Sherloc (09022015). Collection method: clinical testing. Allele origin: germline.
Comment: This sequence change replaces proline, which is neutral and non-polar, with leucine, which is neutral and non-polar, at codon 809 of the ITGA2B protein (p.Pro809Leu). This variant is not present in population databases (gnomAD no frequency). This variant has not been reported in the literature in individuals affected with ITGA2B-related conditions. Advanced modeling of protein sequence and biophysical properties (such as structural, functional, and spatial information, amino acid conservation, physicochemical variation, residue mobility, and thermodynamic stability) performed at Invitae indicates that this missense variant is not expected to disrupt ITGA2B protein function. In summary, the available evidence is currently insufficient to determine the role of this variant in disease. Therefore, it has been classified as a Variant of Uncertain Significance.

PreventionGenetics, part of Exact Sciences
Classification: Uncertain significance for ITGA2B-related condition. Last evaluated: 2024-04-30. Review status: no assertion criteria provided. Collection method: clinical testing. Allele origin: germline. Not counted in ClinVar's aggregate classification.
Comment: The ITGA2B c.2426C>T variant is predicted to result in the amino acid substitution p.Pro809Leu. To our knowledge, this variant has not been reported in the literature or in a large population database, indicating this variant is rare. At this time, the clinical significance of this variant is uncertain due to the absence of conclusive functional and genetic evidence.